The following is an entry in ClinVar:

NM_015338.6(ASXL1):c.1485C>G (p.Asp495Glu)

Gene: ASXL1 (ASXL transcriptional regulator 1; plus strand). Cytogenetic location: 20q11.21.
Variant type: single nucleotide variant.
Coding change: c.1485C>G on transcript NM_015338.6 (MANE Select); coding-DNA position 1485, C replaced by G.
Protein change: p.Asp495Glu; replaces aspartic acid 495 with glutamic acid.
Molecular consequence: missense variant.
Genome position (GRCh38, 1-based): chr20:32,433,683, C>G. VCF-style: chr20-32433683-C-G. GRCh37 (hg19) VCF-style: chr20-31021486-C-G.
Other names: c.1302C>G, p.Asp434Glu (NM_001363734.1); short protein forms D495E, D434E.
Identifiers: ClinVar variation 3793787 (VCV003793787.1).

ClinVar aggregate classification (germline): Uncertain significance (1 of 4 stars; one submission).

Conditions:
Inborn genetic diseases. Identifiers: MedGen C0950123, MeSH D030342.

gnomAD v4.1: 1 of 1,611,138 alleles (0.000062%); highest among the groups gnomAD compares: Non-Finnish European, 0.000085%; no homozygotes.

Submission:

Ambry Genetics
Classification: Uncertain significance for Inborn genetic diseases. Last evaluated: 2025-02-25. Review status: criteria provided, single submitter. Criteria: Ambry Variant Classification Scheme 2023. Collection method: clinical testing. Allele origin: germline.
Comment: The p.D495E variant (also known as c.1485C>G), located in coding exon 12 of the ASXL1 gene, results from a C to G substitution at nucleotide position 1485. The aspartic acid at codon 495 is replaced by glutamic acid, an amino acid with highly similar properties. This amino acid position is conserved. In addition, this alteration is predicted to be tolerated by in silico analysis. Based on the available evidence, the clinical significance of this variant remains unclear.